The following is an entry in ClinVar:

ClinVar aggregate classification (germline): Uncertain significance (1 of 4 stars; one submission).

Conditions:
Multiple endocrine neoplasia, type 2 (MEN2). Identifiers: Orphanet 653, MedGen C4048306, MONDO:0019003. Disease mechanism: gain of function.

Allele frequency attached by ClinVar (database versions not stated): gnomAD exomes below 0.00001.
gnomAD v4.1: 2 of 1,614,188 alleles (0.00012%); highest among the groups gnomAD compares: Non-Finnish European, 0.00017%; no homozygotes.

Submission:

Labcorp Genetics (formerly Invitae), Labcorp
Classification: Uncertain significance for Multiple endocrine neoplasia, type 2. Last evaluated: 2024-05-06. Review status: criteria provided, single submitter. Criteria: Invitae Variant Classification Sherloc (09022015). Collection method: clinical testing. Allele origin: germline.
Comment: This sequence change replaces leucine, which is neutral and non-polar, with valine, which is neutral and non-polar, at codon 1108 of the RET protein (p.Leu1108Val). This variant is not present in population databases (gnomAD no frequency). This variant has not been reported in the literature in individuals affected with RET-related conditions. ClinVar contains an entry for this variant (Variation ID: 1983139). An algorithm developed to predict the effect of missense changes on protein structure and function (PolyPhen-2) suggests that this variant is likely to be tolerated. In summary, the available evidence is currently insufficient to determine the role of this variant in disease. Therefore, it has been classified as a Variant of Uncertain Significance.

NM_020975.6(RET):c.3322T>G (p.Leu1108Val)

Gene: RET (ret proto-oncogene; plus strand). Cytogenetic location: 10q11.21.
Variant type: single nucleotide variant.
Coding change: c.3322T>G on transcript NM_020975.6 (MANE Select); coding-DNA position 3322, T replaced by G.
Protein change: p.Leu1108Val; replaces leucine 1108 with valine.
Molecular consequence: missense variant.
Genome position (GRCh38, 1-based): chr10:43,128,246, T>G. VCF-style: chr10-43128246-T-G. GRCh37 (hg19) VCF-style: chr10-43623694-T-G.
Other names: c.2137T>G, p.Leu713Val (NM_001406789.1, NM_001406788.1); c.*1492T>G (NM_001406790.1, NM_001406791.1, NM_001406794.1 and 15 more transcripts); c.1873T>G, p.Leu625Val (NM_001406792.1); c.1813T>G, p.Leu605Val (NM_001406793.1); c.3322T>G, p.Leu1108Val (NM_000323.2, NM_001406743.1); c.3262T>G, p.Leu1088Val (NM_001406759.1, NM_001406760.1); c.3193T>G, p.Leu1065Val (NM_001406761.1, NM_001406762.1); c.3187T>G, p.Leu1063Val (NM_001406763.1); and 7 more; short protein forms L1063V, L1108V, L962V, L1065V, L605V, L1088V, L713V, L809V.
Identifiers: ClinVar variation 1983139 (VCV001983139.4), dbSNP rs2538663040, ClinGen allele CA376559300.